The following is an entry in ClinVar:

NM_003482.4(KMT2D):c.7045C>T (p.Pro2349Ser)

Gene: KMT2D (lysine methyltransferase 2D; minus strand). Cytogenetic location: 12q13.12.
Variant type: single nucleotide variant.
Coding change: c.7045C>T on transcript NM_003482.4 (MANE Select); coding-DNA position 7045, C replaced by T.
Protein change: p.Pro2349Ser; replaces proline 2349 with serine.
Molecular consequence: missense variant.
Genome position (GRCh38, 1-based): chr12:49,040,725, G>A on the plus strand (C>T on the coding strand, the complement: KMT2D is on the minus strand). VCF-style: chr12-49040725-G-A. GRCh37 (hg19) VCF-style: chr12-49434508-G-A.
Other names: c.7045C>T (NM_003482.3); short protein forms P2349S.
Identifiers: ClinVar variation 1391442 (VCV001391442.10), dbSNP rs56123231, ClinGen allele CA6547132.

ClinVar aggregate classification (germline): Benign/Likely benign. Review status: criteria provided, multiple submitters, no conflicts (2 of 4 stars). 3 submissions from 3 submitters: Benign (1); Likely benign (1). 1 of the submissions does not count toward it. Last evaluated 2025-09-07.

Conditions:
KMT2D-related disorder. Also called: KMT2D-Related Disorders.
Kabuki syndrome. Also called: NIIKAWA-KUROKI SYNDROME; Kabuki make-up syndrome. Identifiers: Orphanet 2322, MedGen C0796004, MONDO:0016512.

Allele frequency attached by ClinVar (database versions not stated): gnomAD 0.00001; gnomAD exomes 0.00003 and 0.00005; TOPMed 0.00005; ExAC 0.00007.
gnomAD v4.1: 47 of 1,613,500 alleles (0.0029%); highest among the groups gnomAD compares: South Asian, 0.019%; no homozygotes.

Submissions (3):

Labcorp Genetics (formerly Invitae), Labcorp
Classification: Benign for Kabuki syndrome. Last evaluated: 2025-09-07. Review status: criteria provided, single submitter. Criteria: Invitae Variant Classification Sherloc (09022015). Collection method: clinical testing. Allele origin: germline.

Blueprint Genetics
Classification: Likely benign. Last evaluated: 2024-03-24. Review status: criteria provided, single submitter. Criteria: ACMG Guidelines, 2015. Collection method: clinical testing. Allele origin: germline.

PreventionGenetics, part of Exact Sciences
Classification: Uncertain significance for KMT2D-related condition. Last evaluated: 2024-03-22. Review status: no assertion criteria provided. Collection method: clinical testing. Allele origin: germline. Not counted in ClinVar's aggregate classification.
Comment: The KMT2D c.7045C>T variant is predicted to result in the amino acid substitution p.Pro2349Ser. To our knowledge, this variant has not been reported in the literature. This variant is reported in 0.013% of alleles in individuals of South Asian descent in gnomAD. Although we suspect that this variant may be benign, at this time, the clinical significance of this variant is uncertain due to the absence of conclusive functional and genetic evidence.